The following is an entry in ClinVar:

ClinVar aggregate classification (germline): Likely benign. Review status: criteria provided, multiple submitters, no conflicts (2 of 4 stars). 2 submissions from 2 submitters: Likely benign (2). Last evaluated 2025-11-25.

Conditions:
Hereditary cancer-predisposing syndrome. Also called: Neoplastic Syndromes, Hereditary; Tumor predisposition; Hereditary Cancer Syndrome; Hereditary neoplastic syndrome. Identifiers: Orphanet 140162, MedGen C0027672, MeSH D009386, MONDO:0015356.

Submissions (2):

Ambry Genetics
Classification: Likely benign for Hereditary cancer-predisposing syndrome. Last evaluated: 2025-11-25. Review status: criteria provided, single submitter. Criteria: Ambry Variant Classification Scheme 2023. Collection method: clinical testing. Allele origin: germline.

CeGaT Center for Human Genetics Tuebingen
Classification: Likely benign. Last evaluated: 2025-08-01. Review status: criteria provided, single submitter. Criteria: CeGaT Center For Human Genetics Tuebingen Variant Classification Criteria Version 2. Collection method: clinical testing. Allele origin: germline. Affected: yes. Observed: 1 variant allele.
Comment: NF2: PM2:Supporting, BP4, BP7

NM_000268.4(NF2):c.54A>G (p.Gln18=)

Gene: NF2 (NF2, moesin-ezrin-radixin like (MERLIN) tumor suppressor; plus strand). Cytogenetic location: 22q12.2.
Variant type: single nucleotide variant.
Coding change: c.54A>G on transcript NM_000268.4 (MANE Select); coding-DNA position 54, A replaced by G.
Protein change: p.Gln18=; no amino-acid change (glutamine 18 retained).
Molecular consequence: synonymous variant. On other transcripts: 5 prime UTR variant (4), non-coding transcript variant (1).
Genome position (GRCh38, 1-based): chr22:29,604,052, A>G. VCF-style: chr22-29604052-A-G. GRCh37 (hg19) VCF-style: chr22-30000041-A-G.
Other names: c.-177A>G (NM_001407053.1, NM_001407056.1); c.54A>G, p.Gln18= (NM_001407054.1, NM_001407055.1, NM_001407057.1 and 15 more transcripts); c.-587A>G (NM_001407065.1); c.-203A>G (NM_001407067.1).
Identifiers: ClinVar variation 4083898 (VCV004083898.8).